The following is an entry in ClinVar:

NM_021927.3(GUF1):c.995A>G (p.Gln332Arg)

Gene: GUF1 (GTP binding elongation factor GUF1; plus strand). Cytogenetic location: 4p12.
Variant type: single nucleotide variant.
Coding change: c.995A>G on transcript NM_021927.3 (MANE Select); coding-DNA position 995, A replaced by G.
Protein change: p.Gln332Arg; replaces glutamine 332 with arginine.
Molecular consequence: missense variant.
Genome position (GRCh38, 1-based): chr4:44,688,063, A>G. VCF-style: chr4-44688063-A-G. GRCh37 (hg19) VCF-style: chr4-44690080-A-G.
Other names: c.23A>G, p.Gln8Arg (NM_001345867.2, NM_001345869.2); c.995A>G, p.Gln332Arg (NM_001345868.2); short protein forms Q332R, Q8R.
Identifiers: ClinVar variation 3017588 (VCV003017588.3), dbSNP rs746503211, ClinGen allele CA2905501.

ClinVar aggregate classification (germline): Uncertain significance (1 of 4 stars; one submission).

Allele frequency attached by ClinVar (database versions not stated): gnomAD 0.00001.
gnomAD v4.1: 68 of 1,612,380 alleles (0.0042%); highest among the groups gnomAD compares: Non-Finnish European, 0.0058%; no homozygotes.

Submission:

Labcorp Genetics (formerly Invitae), Labcorp
Classification: Uncertain significance. Last evaluated: 2022-12-17. Review status: criteria provided, single submitter. Criteria: Invitae Variant Classification Sherloc (09022015). Collection method: clinical testing. Allele origin: germline.
Comment: This sequence change replaces glutamine, which is neutral and polar, with arginine, which is basic and polar, at codon 332 of the GUF1 protein (p.Gln332Arg). This variant is present in population databases (rs746503211, gnomAD 0.003%). This variant has not been reported in the literature in individuals affected with GUF1-related conditions. Advanced modeling of protein sequence and biophysical properties (such as structural, functional, and spatial information, amino acid conservation, physicochemical variation, residue mobility, and thermodynamic stability) performed at Invitae indicates that this missense variant is not expected to disrupt GUF1 protein function. In summary, the available evidence is currently insufficient to determine the role of this variant in disease. Therefore, it has been classified as a Variant of Uncertain Significance.